The following is an entry in ClinVar:

ClinVar aggregate classification (germline): Uncertain significance (1 of 4 stars; one submission).

Conditions:
Cardiovascular phenotype. Identifiers: MedGen CN230736.

Submission:

Ambry Genetics
Classification: Uncertain significance for Cardiovascular phenotype. Last evaluated: 2024-05-23. Review status: criteria provided, single submitter. Criteria: Ambry Variant Classification Scheme 2023. Collection method: clinical testing. Allele origin: germline.
Comment: The p.E1337G variant (also known as c.4010A>G), located in coding exon 29 of the LAMA4 gene, results from an A to G substitution at nucleotide position 4010. The glutamic acid at codon 1337 is replaced by glycine, an amino acid with similar properties. This amino acid position is conserved. In addition, this alteration is predicted to be tolerated by in silico analysis. Based on the available evidence, the clinical significance of this variant remains unclear.

NM_001105206.3(LAMA4):c.4031A>G (p.Glu1344Gly)

Gene: LAMA4 (laminin subunit alpha 4; minus strand). Cytogenetic location: 6q21.
Variant type: single nucleotide variant.
Coding change: c.4031A>G on transcript NM_001105206.3 (MANE Select); coding-DNA position 4031, A replaced by G.
Protein change: p.Glu1344Gly; replaces glutamic acid 1344 with glycine.
Molecular consequence: missense variant.
Genome position (GRCh38, 1-based): chr6:112,129,978, T>C on the plus strand (A>G on the coding strand, the complement: LAMA4 is on the minus strand). VCF-style: chr6-112129978-T-C. GRCh37 (hg19) VCF-style: chr6-112451180-T-C.
Other names: c.4010A>G, p.Glu1337Gly (NM_001105207.3, NM_002290.5); short protein forms E1344G, E1337G.
Identifiers: ClinVar variation 3289945 (VCV003289945.1).